The following is an entry in ClinVar:

NM_003906.5(MCM3AP):c.3833C>T (p.Ala1278Val)

Gene: MCM3AP (minichromosome maintenance complex component 3 associated protein; minus strand). Cytogenetic location: 21q22.3.
Variant type: single nucleotide variant.
Coding change: c.3833C>T on transcript NM_003906.5 (MANE Select); coding-DNA position 3833, C replaced by T.
Protein change: p.Ala1278Val; replaces alanine 1278 with valine.
Molecular consequence: missense variant.
Genome position (GRCh38, 1-based): chr21:46,256,888, G>A on the plus strand (C>T on the coding strand, the complement: MCM3AP is on the minus strand). VCF-style: chr21-46256888-G-A. GRCh37 (hg19) VCF-style: chr21-47676802-G-A.
Other names: short protein forms A1278V.
Identifiers: ClinVar variation 1517840 (VCV001517840.6), dbSNP rs376354711, ClinGen allele CA10076353.

ClinVar aggregate classification (germline): Uncertain significance (1 of 4 stars; one submission).

Allele frequency attached by ClinVar (database versions not stated): ExAC 0.00002; gnomAD 0.00002; ESP Exome Variant Server 0.00008.
gnomAD v4.1: 12 of 1,602,648 alleles (0.00075%); highest among the groups gnomAD compares: East Asian, 0.009%; no homozygotes.

Submission:

Labcorp Genetics (formerly Invitae), Labcorp
Classification: Uncertain significance. Last evaluated: 2022-06-27. Review status: criteria provided, single submitter. Criteria: Invitae Variant Classification Sherloc (09022015). Collection method: clinical testing. Allele origin: germline.
Comment: In summary, the available evidence is currently insufficient to determine the role of this variant in disease. Therefore, it has been classified as a Variant of Uncertain Significance. Algorithms developed to predict the effect of missense changes on protein structure and function are either unavailable or do not agree on the potential impact of this missense change (SIFT: "Deleterious"; PolyPhen-2: "Probably Damaging"; Align-GVGD: "Class C0"). This variant has not been reported in the literature in individuals affected with MCM3AP-related conditions. This variant is not present in population databases (gnomAD no frequency). This sequence change replaces alanine, which is neutral and non-polar, with valine, which is neutral and non-polar, at codon 1278 of the MCM3AP protein (p.Ala1278Val).